The following is an entry in ClinVar:

ClinVar aggregate classification (germline): Uncertain significance (1 of 4 stars; one submission).

Conditions:
Progressive microcephaly-seizures-cortical blindness-developmental delay syndrome. Also called: Seizures, cortical blindness, and microcephaly syndrome. Identifiers: Orphanet 477814, MedGen C5567650, MONDO:0014714, OMIM 616632.
Autosomal dominant nonsyndromic hearing loss 1. Also called: DEAFNESS, AUTOSOMAL DOMINANT 1, WITH OR WITHOUT THROMBOCYTOPENIA; KONIGSMARK SYNDROME. Identifiers: Orphanet 90635, MedGen C1852282, MONDO:0007424, OMIM 124900.

gnomAD v4.1: 2 of 1,551,812 alleles (0.00013%); highest among the groups gnomAD compares: African/African-American, 0.0014%; no homozygotes.

Submission:

Labcorp Genetics (formerly Invitae), Labcorp
Classification: Uncertain significance for Progressive microcephaly-seizures-cortical blindness-developmental delay syndrome; Autosomal dominant nonsyndromic hearing loss 1. Last evaluated: 2025-03-01. Review status: criteria provided, single submitter. Criteria: Invitae Variant Classification Sherloc (09022015). Collection method: clinical testing. Allele origin: germline.
Comment: This sequence change replaces proline, which is neutral and non-polar, with threonine, which is neutral and polar, at codon 631 of the DIAPH1 protein (p.Pro631Thr). This variant is not present in population databases (gnomAD no frequency). This variant has not been reported in the literature in individuals affected with DIAPH1-related conditions. ClinVar contains an entry for this variant (Variation ID: 1938110). Experimental studies and prediction algorithms are not available or were not evaluated, and the functional significance of this variant is currently unknown. In summary, the available evidence is currently insufficient to determine the role of this variant in disease. Therefore, it has been classified as a Variant of Uncertain Significance.

NM_005219.5(DIAPH1):c.1891C>A (p.Pro631Thr)

Gene: DIAPH1 (diaphanous related formin 1; minus strand). Cytogenetic location: 5q31.3.
Variant type: single nucleotide variant.
Coding change: c.1891C>A on transcript NM_005219.5 (MANE Select); coding-DNA position 1891, C replaced by A.
Protein change: p.Pro631Thr; replaces proline 631 with threonine.
Molecular consequence: missense variant.
Genome position (GRCh38, 1-based): chr5:141,573,959, G>T on the plus strand (C>A on the coding strand, the complement: DIAPH1 is on the minus strand). VCF-style: chr5-141573959-G-T. GRCh37 (hg19) VCF-style: chr5-140953526-G-T.
Other names: c.1864C>A, p.Pro622Thr (NM_001079812.3); c.1891C>A, p.Pro631Thr (NM_001314007.2); short protein forms P622T, P631T.
Identifiers: ClinVar variation 1938110 (VCV001938110.5), dbSNP rs769926497, ClinGen allele CA361520279.